The following is an entry in ClinVar:

ClinVar aggregate classification (germline): Uncertain significance. Review status: criteria provided, multiple submitters, no conflicts (2 of 4 stars). 4 submissions from 4 submitters: Uncertain significance (4). Last evaluated 2025-07-05.

Conditions:
Hereditary cancer-predisposing syndrome. Also called: Hereditary Cancer Syndrome; Tumor predisposition; Hereditary neoplastic syndrome; Neoplastic Syndromes, Hereditary. Identifiers: Orphanet 140162, MedGen C0027672, MeSH D009386, MONDO:0015356.
Multiple endocrine neoplasia, type 2 (MEN2). Identifiers: Orphanet 653, MedGen C4048306, MONDO:0019003. Disease mechanism: gain of function.

Allele frequency attached by ClinVar (database versions not stated): gnomAD exomes 0.00001; TOPMed 0.00001.
gnomAD v4.1: 14 of 1,613,886 alleles (0.00087%); highest among the groups gnomAD compares: Admixed American, 0.0017%; no homozygotes.

Submissions (4):

Color Diagnostics, LLC DBA Color Health
Classification: Uncertain significance for Multiple endocrine neoplasia, type 2. Last evaluated: 2025-07-05. Review status: criteria provided, single submitter. Criteria: ACMG Guidelines, 2015. Collection method: clinical testing. Allele origin: germline.
Comment: This missense variant replaces glutamic acid with glycine at codon 1058 of the RET protein. Computational prediction suggests that this variant may have deleterious impact on protein structure and function. To our knowledge, functional studies have not been reported for this variant. This variant has not been reported in individuals affected with hereditary cancer in the literature. This variant has been identified in 3/251184 chromosomes in the general population by the Genome Aggregation Database (gnomAD). The available evidence is insufficient to determine the role of this variant in disease conclusively. Therefore, this variant is classified as a Variant of Uncertain Significance.

Ambry Genetics
Classification: Uncertain significance for Hereditary cancer-predisposing syndrome. Last evaluated: 2024-10-25. Review status: criteria provided, single submitter. Criteria: Ambry Variant Classification Scheme 2023. Collection method: clinical testing. Allele origin: germline.
Comment: The p.E1058G variant (also known as c.3173A>G), located in coding exon 19 of the RET gene, results from an A to G substitution at nucleotide position 3173. The glutamic acid at codon 1058 is replaced by glycine, an amino acid with similar properties. This amino acid position is conserved. In addition, this alteration is predicted to be deleterious by in silico analysis. Since supporting evidence is limited at this time, the clinical significance of this alteration remains unclear.

Labcorp Genetics (formerly Invitae), Labcorp
Classification: Uncertain significance for Multiple endocrine neoplasia, type 2. Last evaluated: 2024-05-26. Review status: criteria provided, single submitter. Criteria: Invitae Variant Classification Sherloc (09022015). Collection method: clinical testing. Allele origin: germline.
Comment: This sequence change replaces glutamic acid, which is acidic and polar, with glycine, which is neutral and non-polar, at codon 1058 of the RET protein (p.Glu1058Gly). This variant is present in population databases (rs780578577, gnomAD 0.003%). This variant has not been reported in the literature in individuals affected with RET-related conditions. ClinVar contains an entry for this variant (Variation ID: 1044090). An algorithm developed to predict the effect of missense changes on protein structure and function (PolyPhen-2) suggests that this variant is likely to be disruptive. In summary, the available evidence is currently insufficient to determine the role of this variant in disease. Therefore, it has been classified as a Variant of Uncertain Significance.

Blueprint Genetics
Classification: Uncertain significance. Last evaluated: 2021-12-13. Review status: criteria provided, single submitter. Criteria: ACMG Guidelines, 2015. Collection method: clinical testing. Allele origin: germline.

NM_020975.6(RET):c.3173A>G (p.Glu1058Gly)

Gene: RET (ret proto-oncogene; plus strand). Cytogenetic location: 10q11.21.
Variant type: single nucleotide variant.
Coding change: c.3173A>G on transcript NM_020975.6 (MANE Select); coding-DNA position 3173, A replaced by G.
Protein change: p.Glu1058Gly; replaces glutamic acid 1058 with glycine.
Molecular consequence: missense variant.
Genome position (GRCh38, 1-based): chr10:43,126,708, A>G. VCF-style: chr10-43126708-A-G. GRCh37 (hg19) VCF-style: chr10-43622156-A-G.
Other names: c.2885A>G, p.Glu962Gly (NM_001406766.1, NM_001406767.1, NM_001406770.1); c.2909A>G, p.Glu970Gly (NM_001406768.1); c.2777A>G, p.Glu926Gly (NM_001406769.1, NM_001406772.1); c.2735A>G, p.Glu912Gly (NM_001406771.1, NM_001406773.1); c.2648A>G, p.Glu883Gly (NM_001406774.1); c.2147A>G, p.Glu716Gly (NM_001406783.1, NM_001406786.1); c.2183A>G, p.Glu728Gly (NM_001406784.1); c.2156A>G, p.Glu719Gly (NM_001406785.1); and 10 more; short protein forms E1058G, E804G, E719G, E728G, E883G, E926G, E1015G, E623G.
Identifiers: ClinVar variation 1044090 (VCV001044090.10), dbSNP rs780578577, ClinGen allele CA042907.
Genomic context (GRCh38, chr10:43,126,708, plus strand): 5'-CACCGCTGGTGGACTGTAATAATGCCCCCCTCCCTCGAGCCCTCCCTTCCACATGGATTG[A>G]AAACAAACTCTATGGTAGAATTTCCCATGCATTTACTAGATTCTAGCACCGCTGTCCCCT-3'
Protein context (NP_066124.1, residues 1048-1068): LPRALPSTWI[Glu1058Gly]NKLYGMSDPN